The following is an entry in ClinVar:

NM_001267550.2(TTN):c.9150A>G (p.Thr3050=)

Gene: TTN (titin; minus strand). Cytogenetic location: 2q31.2.
Variant type: single nucleotide variant.
Coding change: c.9150A>G on transcript NM_001267550.2 (MANE Select); coding-DNA position 9150, A replaced by G.
Protein change: p.Thr3050=; no amino-acid change (threonine 3050 retained).
Molecular consequence: synonymous variant.
Genome position (GRCh38, 1-based): chr2:178,768,686, T>C on the plus strand (A>G on the coding strand, the complement: TTN is on the minus strand). VCF-style: chr2-178768686-T-C. GRCh37 (hg19) VCF-style: chr2-179633413-T-C.
Other names: p.T3050T:ACA>ACG; c.9150A>G, p.Thr3050= (NM_001256850.1, NM_133378.4, NM_133379.5); c.9012A>G, p.Thr3004= (NM_003319.4, NM_133432.3, NM_133437.4).
Identifiers: ClinVar variation 47614 (VCV000047614.38), dbSNP rs72647886, ClinGen allele CA284199.

ClinVar aggregate classification (germline): Benign/Likely benign. Review status: criteria provided, multiple submitters, no conflicts (2 of 4 stars). 19 submissions from 16 submitters: Benign (13); Likely benign (4). 2 of the submissions do not count toward it. Last evaluated 2026-06-01.

Conditions:
Cardiovascular phenotype. Identifiers: MedGen CN230736.
Dilated cardiomyopathy 1G (CMD1G). Identifiers: Orphanet 154, MedGen C1858763, MONDO:0011400, OMIM 604145.
Autosomal recessive limb-girdle muscular dystrophy type 2J (LGMDR10). Also called: Limb-girdle muscular dystrophy, type 2J; MUSCULAR DYSTROPHY, LIMB-GIRDLE, AUTOSOMAL RECESSIVE 10. Identifiers: Orphanet 140922, MedGen C1837342, MONDO:0012127, OMIM 608807.
Myopathy, myofibrillar, 9, with early respiratory failure (MFM9). Also called: Hereditary myopathy with early respiratory failure; Myopathy, distal, with early respiratory failure, autosomal dominant; EDSTROM MYOPATHY; MYOPATHY, PROXIMAL, WITH EARLY RESPIRATORY MUSCLE INVOLVEMENT. Identifiers: Orphanet 178464, Orphanet 34521, MedGen C1863599, MONDO:0011362, OMIM 603689.
Tibial muscular dystrophy (TMD). Also called: Udd Distal Myopathy – Tibial Muscular Dystrophy; Tibial muscular dystrophy, tardive; UDD MYOPATHY. Identifiers: Orphanet 609, MedGen C1838244, MONDO:0010870, OMIM 600334.
Early-onset myopathy with fatal cardiomyopathy (CMYO5). Also called: Salih Myopathy; CONGENITAL MYOPATHY 5 WITH CARDIOMYOPATHY. Identifiers: Orphanet 289377, MedGen C2673677, MONDO:0012714, OMIM 611705. Disease mechanism: loss of function.
Hypertrophic cardiomyopathy 9. Also called: Familial hypertrophic cardiomyopathy 9. Identifiers: MedGen C1861065, MONDO:0013412, OMIM 613765.
Cardiomyopathy (CMYO). Also called: Cardiomyopathies. Identifiers: Orphanet 167848, MedGen C0878544, MONDO:0004994, HP:0001638. Inheritance: Various modes of inheritance.

Allele frequency attached by ClinVar (database versions not stated): gnomAD exomes 0.00024 and 0.00071; ExAC 0.00087; 1000 Genomes Project 0.00180; 1000 Genomes Project 30x 0.00219; gnomAD 0.00305 and 0.00326; TOPMed 0.00337; ESP Exome Variant Server 0.00392.
gnomAD v4.1: 821 of 1,614,064 alleles (0.051%); highest among the groups gnomAD compares: African/African-American, 0.98%; 5 homozygotes.

Submissions (19):

CeGaT Center for Human Genetics Tuebingen
Classification: Likely benign. Last evaluated: 2026-06-01. Review status: criteria provided, single submitter. Criteria: CeGaT Center For Human Genetics Tuebingen Variant Classification Criteria Version 2. Collection method: clinical testing. Allele origin: germline. Affected: yes. Observed: 2 variant alleles.
Comment: TTN: BP4, BP7

Labcorp Genetics (formerly Invitae), Labcorp
Classification: Benign for Dilated cardiomyopathy 1G; Autosomal recessive limb-girdle muscular dystrophy type 2J. Last evaluated: 2026-02-01. Review status: criteria provided, single submitter. Criteria: Invitae Variant Classification Sherloc (09022015). Collection method: clinical testing. Allele origin: germline.

Molecular Diagnostic Laboratory for Inherited Cardiovascular Disease, Montreal Heart Institute
Classification: Benign. Last evaluated: 2025-04-09. Review status: criteria provided, single submitter. Criteria: ACMG Guidelines, 2015. Collection method: clinical testing. Allele origin: germline. Affected: no.

Blueprint Genetics
Classification: Likely benign. Last evaluated: 2024-11-13. Review status: criteria provided, single submitter. Criteria: ACMG Guidelines, 2015. Collection method: clinical testing. Allele origin: germline.

ARUP Laboratories, Molecular Genetics and Genomics, ARUP Laboratories
Classification: Benign. Last evaluated: 2023-10-10. Review status: criteria provided, single submitter. Criteria: ARUP Molecular Germline Variant Investigation Process 2024. Collection method: clinical testing. Allele origin: germline.

Fulgent Genetics
Classification: Likely benign for Tibial muscular dystrophy; Myopathy, myofibrillar, 9, with early respiratory failure; Dilated cardiomyopathy 1G; Autosomal recessive limb-girdle muscular dystrophy type 2J; Early-onset myopathy with fatal cardiomyopathy; Hypertrophic cardiomyopathy 9. Last evaluated: 2021-11-26. Review status: criteria provided, single submitter. Criteria: ACMG Guidelines, 2015. Collection method: clinical testing. Allele origin: unknown.

Genome-Nilou Lab
Classification: Benign for Autosomal recessive limb-girdle muscular dystrophy type 2J. Last evaluated: 2021-09-10. Review status: criteria provided, single submitter. Criteria: ACMG Guidelines, 2015. Collection method: clinical testing. Allele origin: germline. Affected: no.

Genome-Nilou Lab
Classification: Benign for Myopathy, myofibrillar, 9, with early respiratory failure. Last evaluated: 2021-09-10. Review status: criteria provided, single submitter. Criteria: ACMG Guidelines, 2015. Collection method: clinical testing. Allele origin: germline. Affected: no.

Genome-Nilou Lab
Classification: Benign for Early-onset myopathy with fatal cardiomyopathy. Last evaluated: 2021-09-10. Review status: criteria provided, single submitter. Criteria: ACMG Guidelines, 2015. Collection method: clinical testing. Allele origin: germline. Affected: no.

Genome-Nilou Lab
Classification: Benign for Tibial muscular dystrophy. Last evaluated: 2021-09-10. Review status: criteria provided, single submitter. Criteria: ACMG Guidelines, 2015. Collection method: clinical testing. Allele origin: germline. Affected: no.

Women's Health and Genetics/Laboratory Corporation of America, LabCorp
Classification: Benign. Last evaluated: 2020-08-08. Review status: criteria provided, single submitter. Criteria: LabCorp Variant Classification Summary - May 2015. Collection method: clinical testing. Allele origin: germline.

Athena Diagnostics
Classification: Benign. Last evaluated: 2017-02-07. Review status: criteria provided, single submitter. Criteria: Athena Diagnostics Criteria. Collection method: clinical testing. Allele origin: germline.

Eurofins Ntd Llc (ga)
Classification: Benign. Last evaluated: 2016-09-06. Review status: criteria provided, single submitter. Criteria: EGL Classification Definitions 2015. Collection method: clinical testing. Allele origin: germline. Observed: 7 variant alleles, 7 heterozygotes.

CHEO Genetics Diagnostic Laboratory, Children's Hospital of Eastern Ontario
Classification: Benign for Cardiomyopathy. Last evaluated: 2016-06-14. Review status: criteria provided, single submitter. Criteria: ACMG Guidelines, 2015. Collection method: clinical testing. Allele origin: germline. Study: Canadian Open Genetics Repository.

Ambry Genetics
Classification: Likely benign for Cardiovascular phenotype. Last evaluated: 2013-04-16. Review status: criteria provided, single submitter. Criteria: Ambry Autosomal Dominant and X-Linked criteria (10/2015). Collection method: clinical testing. Allele origin: germline. Observed: 1 variant allele.

GeneDx
Classification: Benign. Last evaluated: 2012-11-28. Review status: criteria provided, single submitter. Criteria: GeneDx Variant Classification (06012015). Collection method: clinical testing. Allele origin: germline. Affected: yes.
Comment: This variant is considered likely benign or benign based on one or more of the following criteria: it is a conservative change, it occurs at a poorly conserved position in the protein, it is predicted to be benign by multiple in silico algorithms, and/or has population frequency not consistent with disease.

Laboratory for Molecular Medicine, Mass General Brigham Personalized Medicine
Classification: Benign. Last evaluated: 2012-07-18. Review status: criteria provided, single submitter. Criteria: LMM Criteria. Collection method: clinical testing. Allele origin: germline. Observed: 6 variant alleles.
Comment: Thr3050Thr in Exon 38 of TTN: This variant is not expected to have clinical sign ificance because it does not alter an amino acid residue, is not located within the splice consensus sequence and has been identified in 1.2% (51/4406) of Afric an American chromosomes from a broad population by the NHLBI Exome Sequencing Pr oject (dbSNP rs72647886).

Clinical Genetics DNA and cytogenetics Diagnostics Lab, Erasmus MC, Erasmus Medical Center
Classification: Benign. Review status: no assertion criteria provided. Collection method: clinical testing. Allele origin: germline. Affected: yes. Study: VKGL Data-share Consensus. Not counted in ClinVar's aggregate classification.

Clinical Genetics, Academic Medical Center
Classification: Benign. Review status: no assertion criteria provided. Collection method: clinical testing. Allele origin: germline. Affected: yes. Study: VKGL Data-share Consensus. Not counted in ClinVar's aggregate classification.